The following is an entry in ClinVar:

NM_001113378.2(FANCI):c.1871T>C (p.Met624Thr)

Gene: FANCI (FA complementation group I; plus strand). Cytogenetic location: 15q26.1.
Variant type: single nucleotide variant.
Coding change: c.1871T>C on transcript NM_001113378.2 (MANE Select); coding-DNA position 1871, T replaced by C.
Protein change: p.Met624Thr; replaces methionine 624 with threonine.
Molecular consequence: missense variant.
Genome position (GRCh38, 1-based): chr15:89,290,262, T>C. VCF-style: chr15-89290262-T-C. GRCh37 (hg19) VCF-style: chr15-89833493-T-C.
Other names: c.1592T>C, p.Met531Thr (NM_001376910.1); c.1871T>C, p.Met624Thr (NM_001376911.1, NM_018193.3); short protein forms M531T, M624T.
Identifiers: ClinVar variation 1468308 (VCV001468308.8), dbSNP rs758191165, ClinGen allele CA274571963.
Genomic context (GRCh38, chr15:89,290,262, plus strand): 5'-ATTCCTCTTAGGGGTTTTATGATGTTCTTCGAAGGAACTCTCAGCTGGCTAATTCAGTCA[T>C]GCAAACTCTGCTCTCACAGGTAAAATACATTTTTATGGATATATGGAAAACAGACCATCA-3'
Protein context (NP_001106849.1, residues 614-634): RRNSQLANSV[Met624Thr]QTLLSQLKQF

ClinVar aggregate classification (germline): Uncertain significance (1 of 4 stars; one submission).

Conditions:
Fanconi anemia (FA). Also called: Fanconi's anemia. Identifiers: Orphanet 84, MedGen C0015625, MeSH D005199, MONDO:0019391.

Submission:

Labcorp Genetics (formerly Invitae), Labcorp
Classification: Uncertain significance for Fanconi anemia. Last evaluated: 2020-11-02. Review status: criteria provided, single submitter. Criteria: Invitae Variant Classification Sherloc (09022015). Collection method: clinical testing. Allele origin: germline.
Comment: This variant is not present in population databases (ExAC no frequency). In summary, the available evidence is currently insufficient to determine the role of this variant in disease. Therefore, it has been classified as a Variant of Uncertain Significance. Algorithms developed to predict the effect of missense changes on protein structure and function (SIFT, PolyPhen-2, Align-GVGD) all suggest that this variant is likely to be tolerated, but these predictions have not been confirmed by published functional studies and their clinical significance is uncertain. This variant has not been reported in the literature in individuals with FANCI-related conditions. This sequence change replaces methionine with threonine at codon 624 of the FANCI protein (p.Met624Thr). The methionine residue is moderately conserved and there is a moderate physicochemical difference between methionine and threonine.